The following is an entry in ClinVar:

ClinVar aggregate classification (germline): Uncertain significance (1 of 4 stars; one submission).

Allele frequency attached by ClinVar (database versions not stated): gnomAD 0.00001; gnomAD exomes 0.00001.

Submission:

Labcorp Genetics (formerly Invitae), Labcorp
Classification: Uncertain significance. Last evaluated: 2022-11-08. Review status: criteria provided, single submitter. Criteria: Invitae Variant Classification Sherloc (09022015). Collection method: clinical testing. Allele origin: germline.
Comment: In summary, the available evidence is currently insufficient to determine the role of this variant in disease. Therefore, it has been classified as a Variant of Uncertain Significance. Advanced modeling of protein sequence and biophysical properties (such as structural, functional, and spatial information, amino acid conservation, physicochemical variation, residue mobility, and thermodynamic stability) performed at Invitae indicates that this missense variant is not expected to disrupt FAR1 protein function. This variant has not been reported in the literature in individuals affected with FAR1-related conditions. This variant is present in population databases (no rsID available, gnomAD 0.0009%). This sequence change replaces methionine, which is neutral and non-polar, with valine, which is neutral and non-polar, at codon 142 of the FAR1 protein (p.Met142Val).

NM_032228.6(FAR1):c.424A>G (p.Met142Val)

Gene: FAR1 (fatty acyl-CoA reductase 1; plus strand). Cytogenetic location: 11p15.3.
Variant type: single nucleotide variant.
Coding change: c.424A>G on transcript NM_032228.6 (MANE Select); coding-DNA position 424, A replaced by G.
Protein change: p.Met142Val; replaces methionine 142 with valine.
Molecular consequence: missense variant.
Genome position (GRCh38, 1-based): chr11:13,707,958, A>G. VCF-style: chr11-13707958-A-G. GRCh37 (hg19) VCF-style: chr11-13729505-A-G.
Other names: short protein forms M142V.
Identifiers: ClinVar variation 2072061 (VCV002072061.4), dbSNP rs1389843344, ClinGen allele CA379856707.
Genomic context (GRCh38, chr11:13,707,958, plus strand): 5'-AGAGATGCTGTTCAGTTAAATGTGATTGCAACGCGACAGCTTATTCTCCTTGCACAACAA[A>G]TGAAGAATCTGGAAGTGTTCATGCATGTATCAACAGCATATGCCTACTGTAATCGCAAGC-3'
Protein context (NP_115604.1, residues 132-152): TRQLILLAQQ[Met142Val]KNLEVFMHVS